The following is an entry in ClinVar:

ClinVar aggregate classification (germline): Likely benign (1 of 4 stars; one submission).

Conditions:
MYO9A-related disorder. Also called: MYO9A-related condition.

gnomAD v4.1: 4 of 1,613,582 alleles (0.00025%); highest among the groups gnomAD compares: Non-Finnish European, 0.00034%; no homozygotes.

Submission:

PreventionGenetics, part of Exact Sciences
Classification: Likely benign for MYO9A-related condition. Last evaluated: 2026-05-18. Review status: criteria provided, single submitter. Criteria: ACMG Guidelines, 2015. Collection method: clinical testing. Allele origin: germline.
Comment: This variant is classified as likely benign based on ACMG/AMP sequence variant interpretation guidelines (Richards et al. 2015 PMID: 25741868, with internal and published modifications).

NM_006901.4(MYO9A):c.486C>T (p.Leu162=)

Gene: MYO9A (myosin IXA; minus strand). Cytogenetic location: 15q23.
Variant type: single nucleotide variant.
Coding change: c.486C>T on transcript NM_006901.4 (MANE Select); coding-DNA position 486, C replaced by T.
Protein change: p.Leu162=; no amino-acid change (leucine 162 retained).
Molecular consequence: synonymous variant.
Genome position (GRCh38, 1-based): chr15:72,046,078, G>A on the plus strand (C>T on the coding strand, the complement: MYO9A is on the minus strand). VCF-style: chr15-72046078-G-A. GRCh37 (hg19) VCF-style: chr15-72338419-G-A.
Identifiers: ClinVar variation 4978021 (VCV004978021.1).